The following is an entry in ClinVar:

ClinVar aggregate classification (germline): Uncertain significance (1 of 4 stars; one submission).

Submission:

Quest Diagnostics Nichols Institute San Juan Capistrano
Classification: Uncertain significance. Last evaluated: 2024-10-27. Review status: criteria provided, single submitter. Criteria: Quest Diagnostics criteria. Collection method: clinical testing. Allele origin: unknown.
Comment: The BRCA1 c.4298T>G (p.Ile1433Arg) variant has not been reported in individuals with BRCA1-related conditions in the published literature. It also has not been reported in large, multi-ethnic general populations (Genome Aggregation Database). Analysis of this variant using bioinformatics tools for the prediction of the effect of amino acid changes on protein structure and function yielded predictions that this variant is benign. Based on the available information, we are unable to determine the clinical significance of this variant.

Literature cited by the submitters: PubMed 33087888; PubMed 29884841.

NM_007294.4(BRCA1):c.4298T>G (p.Ile1433Arg)

Gene: BRCA1 (BRCA1 DNA repair associated; minus strand). Cytogenetic location: 17q21.31.
Variant type: single nucleotide variant.
Coding change: c.4298T>G on transcript NM_007294.4 (MANE Select); coding-DNA position 4298, T replaced by G.
Protein change: p.Ile1433Arg; replaces isoleucine 1433 with arginine.
Molecular consequence: missense variant.
Genome position (GRCh38, 1-based): chr17:43,082,463, A>C on the plus strand (T>G on the coding strand, the complement: BRCA1 is on the minus strand). VCF-style: chr17-43082463-A-C. GRCh37 (hg19) VCF-style: chr17-41234480-A-C.
Other names: c.4085T>G, p.Ile1362Arg (NM_001407571.1, NM_001407853.1, NM_001407894.1 and 12 more transcripts); c.4298T>G, p.Ile1433Arg (NM_001407581.1, NM_001407582.1, NM_001407583.1 and 23 more transcripts); c.4295T>G, p.Ile1432Arg (NM_001407587.1, NM_001407590.1, NM_001407591.1 and 21 more transcripts); c.4292T>G, p.Ile1431Arg (NM_001407627.1, NM_001407628.1, NM_001407629.1 and 5 more transcripts); c.4286T>G, p.Ile1429Arg (NM_001407646.1, NM_001407647.1); c.4175T>G, p.Ile1392Arg (NM_001407648.1, NM_001407664.1, NM_001407665.1 and 13 more transcripts); c.4172T>G, p.Ile1391Arg (NM_001407649.1, NM_001407670.1, NM_001407671.1 and 12 more transcripts); c.4220T>G, p.Ile1407Arg (NM_001407653.1, NM_001407654.1, NM_001407655.1 and 2 more transcripts); and 51 more; short protein forms I1343R, I1361R, I1363R, I1385R, I1390R, I1406R, I1407R, I162R.
Identifiers: ClinVar variation 3572270 (VCV003572270.1).